The following is an entry in ClinVar:

NM_000257.4(MYH7):c.1276G>T (p.Ala426Ser)

Gene: MYH7 (myosin heavy chain 7; minus strand). Cytogenetic location: 14q11.2.
Variant type: single nucleotide variant.
Coding change: c.1276G>T on transcript NM_000257.4 (MANE Select); coding-DNA position 1276, G replaced by T.
Protein change: p.Ala426Ser; replaces alanine 426 with serine.
Molecular consequence: missense variant.
Genome position (GRCh38, 1-based): chr14:23,429,086, C>A on the plus strand (G>T on the coding strand, the complement: MYH7 is on the minus strand). VCF-style: chr14-23429086-C-A. GRCh37 (hg19) VCF-style: chr14-23898295-C-A.
Other names: c.1276G>T, p.Ala426Ser (NM_001407004.1); short protein forms A426S.
Identifiers: ClinVar variation 4801955 (VCV004801955.1).

ClinVar aggregate classification (germline): Uncertain significance (1 of 4 stars; one submission).

Conditions:
Hypertrophic cardiomyopathy. Also called: HYPERTROPHIC MYOCARDIOPATHY. Identifiers: Orphanet 217569, MedGen C0007194, MeSH D002312, MONDO:0005045, HP:0001639.

Submission:

Labcorp Genetics (formerly Invitae), Labcorp
Classification: Uncertain significance for Hypertrophic cardiomyopathy. Last evaluated: 2025-06-08. Review status: criteria provided, single submitter. Criteria: Invitae Variant Classification Sherloc (09022015). Collection method: clinical testing. Allele origin: germline.
Comment: This sequence change replaces alanine, which is neutral and non-polar, with serine, which is neutral and polar, at codon 426 of the MYH7 protein (p.Ala426Ser). This variant is not present in population databases (gnomAD no frequency). This missense change has been observed in individual(s) with dilated cardiomyopathy (internal data). Invitae Evidence Modeling of protein sequence and biophysical properties (such as structural, functional, and spatial information, amino acid conservation, physicochemical variation, residue mobility, and thermodynamic stability) indicates that this missense variant is expected to disrupt MYH7 protein function with a positive predictive value of 95%. In summary, the available evidence is currently insufficient to determine the role of this variant in disease. Therefore, it has been classified as a Variant of Uncertain Significance.